The following is an entry in ClinVar:

NM_007194.4(CHEK2):c.779C>T (p.Ser260Leu)

Gene: CHEK2 (checkpoint kinase 2; minus strand). Cytogenetic location: 22q12.1.
Variant type: single nucleotide variant.
Coding change: c.779C>T on transcript NM_007194.4 (MANE Select); coding-DNA position 779, C replaced by T.
Protein change: p.Ser260Leu; replaces serine 260 with leucine.
Molecular consequence: missense variant.
Genome position (GRCh38, 1-based): chr22:28,711,922, G>A on the plus strand (C>T on the coding strand, the complement: CHEK2 is on the minus strand). VCF-style: chr22-28711922-G-A. GRCh37 (hg19) VCF-style: chr22-29107910-G-A.
Other names: c.908C>T, p.Ser303Leu (NM_001005735.3); c.116C>T, p.Ser39Leu (NM_001257387.3); c.578C>T, p.Ser193Leu (NM_001349956.3); c.779C>T, p.Ser260Leu (NM_145862.3); short protein forms S260L, S193L, S39L, S303L.
Identifiers: ClinVar variation 2452082 (VCV002452082.5), dbSNP rs1060502710, ClinGen allele CA411103077.
Genomic context (GRCh38, chr22:28,711,922, plus strand): 5'-ATGAAGACGTGTTAATAAAAGGTGATCAGCCTTTTATTGGTACTTACTGCCTCTCTTGCT[G>A]AACCAATAGCAAACTTCCTTTTGCTGATGATCTTTATGGCTACTTTCTTACATGTTTTCC-3'
Protein context (NP_009125.1, residues 250-270): IISKRKFAIG[Ser260Leu]AREADPALNV

ClinVar aggregate classification (germline): Uncertain significance. Review status: criteria provided, multiple submitters, no conflicts (2 of 4 stars). 2 submissions from 2 submitters: Uncertain significance (2). Last evaluated 2025-07-31.

Conditions:
Familial cancer of breast. Also called: BREAST CANCER, FAMILIAL; Hereditary breast cancer; hereditary breast carcinoma. Identifiers: Orphanet 227535, MedGen C0346153, MONDO:0016419, OMIM 114480. Disease mechanism: loss of function.
Hereditary cancer-predisposing syndrome. Also called: Neoplastic Syndromes, Hereditary; Tumor predisposition; Hereditary neoplastic syndrome; Hereditary Cancer Syndrome. Identifiers: Orphanet 140162, MedGen C0027672, MeSH D009386, MONDO:0015356.

Allele frequency attached by ClinVar (database versions not stated): gnomAD exomes below 0.00001.
gnomAD v4.1: 1 of 1,612,482 alleles (0.000062%); highest among the groups gnomAD compares: Non-Finnish European, 0.000085%; no homozygotes.

Submissions (2):

Labcorp Genetics (formerly Invitae), Labcorp
Classification: Uncertain significance for Familial cancer of breast. Last evaluated: 2025-07-31. Review status: criteria provided, single submitter. Criteria: Invitae Variant Classification Sherloc (09022015). Collection method: clinical testing. Allele origin: germline.
Comment: This sequence change replaces serine, which is neutral and polar, with leucine, which is neutral and non-polar, at codon 260 of the CHEK2 protein (p.Ser260Leu). This variant is not present in population databases (gnomAD no frequency). This variant has not been reported in the literature in individuals affected with CHEK2-related conditions. ClinVar contains an entry for this variant (Variation ID: 2452082). An algorithm developed to predict the effect of missense changes on protein structure and function (PolyPhen-2) suggests that this variant is likely to be tolerated. In summary, the available evidence is currently insufficient to determine the role of this variant in disease. Therefore, it has been classified as a Variant of Uncertain Significance.

Ambry Genetics
Classification: Uncertain significance for Hereditary cancer-predisposing syndrome. Last evaluated: 2023-02-12. Review status: criteria provided, single submitter. Criteria: Ambry Variant Classification Scheme 2023. Collection method: clinical testing. Allele origin: germline.
Comment: The p.S260L variant (also known as c.779C>T), located in coding exon 5 of the CHEK2 gene, results from a C to T substitution at nucleotide position 779. The serine at codon 260 is replaced by leucine, an amino acid with dissimilar properties. This amino acid position is well conserved in available vertebrate species. In addition, the in silico prediction for this alteration is inconclusive. Since supporting evidence is limited at this time, the clinical significance of this alteration remains unclear.